The following is an entry in ClinVar:

NM_001371596.2(MFSD8):c.1093C>G (p.Gln365Glu)

Gene: MFSD8 (major facilitator superfamily domain containing 8; minus strand). Cytogenetic location: 4q28.2.
Variant type: single nucleotide variant.
Coding change: c.1093C>G on transcript NM_001371596.2 (MANE Select); coding-DNA position 1093, C replaced by G.
Protein change: p.Gln365Glu; replaces glutamine 365 with glutamic acid.
Molecular consequence: missense variant.
Genome position (GRCh38, 1-based): chr4:127,921,869, G>C on the plus strand (C>G on the coding strand, the complement: MFSD8 is on the minus strand). VCF-style: chr4-127921869-G-C. GRCh37 (hg19) VCF-style: chr4-128843024-G-C.
Other names: c.892C>G, p.Gln298Glu (NM_001363520.3); c.778C>G, p.Gln260Glu (NM_001363521.3); c.958C>G, p.Gln320Glu (NM_001371590.2); c.1093C>G, p.Gln365Glu (NM_001371591.2, NM_152778.4); c.1099C>G, p.Gln367Glu (NM_001371592.2); c.979C>G, p.Gln327Glu (NM_001371593.2); c.946C>G, p.Gln316Glu (NM_001371594.2); c.811C>G, p.Gln271Glu (NM_001371595.1); and 1 more; short protein forms Q271E, Q327E, Q365E, Q260E, Q316E, Q367E, Q320E, Q298E.
Identifiers: ClinVar variation 1352198 (VCV001352198.7), dbSNP rs904329013, ClinGen allele CA358171660.

ClinVar aggregate classification (germline): Uncertain significance (1 of 4 stars; one submission).

Conditions:
Neuronal ceroid lipofuscinosis 7 (CLN7). Also called: MFSD8-Related Neuronal Ceroid-Lipofuscinosis. Identifiers: Orphanet 168491, Orphanet 228366, MedGen C1838571, MONDO:0012588, OMIM 610951.

Allele frequency attached by ClinVar (database versions not stated): gnomAD exomes below 0.00001.
gnomAD v4.1: 3 of 1,613,942 alleles (0.00019%); no homozygotes.

Submission:

Labcorp Genetics (formerly Invitae), Labcorp
Classification: Uncertain significance for Neuronal ceroid lipofuscinosis 7. Last evaluated: 2023-08-10. Review status: criteria provided, single submitter. Criteria: Invitae Variant Classification Sherloc (09022015). Collection method: clinical testing. Allele origin: germline.
Comment: In summary, the available evidence is currently insufficient to determine the role of this variant in disease. Therefore, it has been classified as a Variant of Uncertain Significance. Advanced modeling of protein sequence and biophysical properties (such as structural, functional, and spatial information, amino acid conservation, physicochemical variation, residue mobility, and thermodynamic stability) has been performed at Invitae for this missense variant, however the output from this modeling did not meet the statistical confidence thresholds required to predict the impact of this variant on MFSD8 protein function. ClinVar contains an entry for this variant (Variation ID: 1352198). This variant has not been reported in the literature in individuals affected with MFSD8-related conditions. This variant is present in population databases (no rsID available, gnomAD 0.004%). This sequence change replaces glutamine, which is neutral and polar, with glutamic acid, which is acidic and polar, at codon 365 of the MFSD8 protein (p.Gln365Glu).